The following is an entry in ClinVar:

ClinVar aggregate classification (germline): Pathogenic/Likely pathogenic. Review status: criteria provided, multiple submitters, no conflicts (2 of 4 stars). 2 submissions from 2 submitters: Pathogenic (1); Likely pathogenic (1). Last evaluated 2024-10-14.

Conditions:
Noonan syndrome 2 (NS2). Identifiers: Orphanet 648, MedGen C1854469, MONDO:0011531, OMIM 605275.
Cardiovascular phenotype. Identifiers: MedGen CN230736.
Hereditary cancer-predisposing syndrome. Also called: Neoplastic Syndromes, Hereditary; Hereditary Cancer Syndrome; Hereditary neoplastic syndrome; Tumor predisposition. Identifiers: Orphanet 140162, MedGen C0027672, MeSH D009386, MONDO:0015356.

gnomAD v4.1: 1 of 1,603,176 alleles (0.000062%); highest among the groups gnomAD compares: Non-Finnish European, 0.000085%; no homozygotes.

Submissions (2):

Ambry Genetics
Classification: Pathogenic for Cardiovascular phenotype; Hereditary cancer-predisposing syndrome. Last evaluated: 2024-10-14. Review status: criteria provided, single submitter. Criteria: Ambry Variant Classification Scheme 2023. Collection method: clinical testing. Allele origin: germline.
Comment: The p.Y285* pathogenic mutation (also known as c.855C>A), located in coding exon 9 of the LZTR1 gene, results from a C to A substitution at nucleotide position 855. This changes the amino acid from a tyrosine to a stop codon within coding exon 9. This alteration is expected to result in loss of function by premature protein truncation or nonsense-mediated mRNA decay. This variant is considered to be rare based on population cohorts in the Genome Aggregation Database (gnomAD). Loss-of-function variants in LZTR1 are related to an increased risk for schwannomas and autosomal recessive Noonan syndrome; however, such associations with autosomal dominant Noonan syndrome have not been observed (Piotrowski A et al. Nat Genet. 2014 Feb;46:182-7; Yamamoto GL et al. J Med Genet. 2015 Jun;52:413-21; Johnston JJ et al. Genet Med. 2018 10;20:1175-1185). Based on the supporting evidence, this variant is pathogenic for an increased risk of LZTR1-related schwannomatosis (SWN) and would be expected to cause autosomal recessive Noonan syndrome when present along with a second pathogenic or likely pathogenic variant on the other allele; however, the association of this alteration with autosomal dominant Noonan syndrome is unlikely.

Juno Genomics, Hangzhou Juno Genomics, Inc
Classification: Likely pathogenic for Noonan syndrome 2. Review status: criteria provided, single submitter. Criteria: ACMG Guidelines, 2015. Collection method: clinical testing. Allele origin: germline.
Comment: Absent from controls (or at extremely low frequency if recessive) in Genome Aggregation Database.;Null variant in a gene where loss of function (LOF) is a known mechanism of disease.

NM_006767.4(LZTR1):c.855C>A (p.Tyr285Ter)

Gene: LZTR1 (leucine zipper like post translational regulator 1; plus strand). Cytogenetic location: 22q11.21.
Variant type: single nucleotide variant.
Coding change: c.855C>A on transcript NM_006767.4 (MANE Select); coding-DNA position 855, C replaced by A.
Protein change: p.Tyr285Ter; replaces tyrosine 285 with a stop codon.
Molecular consequence: nonsense.
Genome position (GRCh38, 1-based): chr22:20,991,691, C>A. VCF-style: chr22-20991691-C-A. GRCh37 (hg19) VCF-style: chr22-21345980-C-A.
Other names: c.855C>A (NM_006767.3); short protein forms Y285*.
Identifiers: ClinVar variation 3382743 (VCV003382743.5).